The following is an entry in ClinVar:

ClinVar aggregate classification (germline): Uncertain significance. Review status: criteria provided, multiple submitters, no conflicts (2 of 4 stars). 2 submissions from 2 submitters: Uncertain significance (2). Last evaluated 2025-12-23.

Conditions:
LZTS1-related disorder. Also called: LZTS1-related condition.

Allele frequency attached by ClinVar (database versions not stated): TOPMed 0.00004.

Submissions (2):

Labcorp Genetics (formerly Invitae), Labcorp
Classification: Uncertain significance. Last evaluated: 2025-12-23. Review status: criteria provided, single submitter. Criteria: Invitae Variant Classification Sherloc (09022015). Collection method: clinical testing. Allele origin: germline.
Comment: This sequence change replaces serine, which is neutral and polar, with phenylalanine, which is neutral and non-polar, at codon 50 of the LZTS1 protein (p.Ser50Phe). This variant is present in population databases (rs34620053, gnomAD 0.009%). This variant has not been reported in the literature in individuals affected with LZTS1-related conditions. ClinVar contains an entry for this variant (Variation ID: 2053099). Invitae Evidence Modeling of protein sequence and biophysical properties (such as structural, functional, and spatial information, amino acid conservation, physicochemical variation, residue mobility, and thermodynamic stability) indicates that this missense variant is not expected to disrupt LZTS1 protein function with a negative predictive value of 80%. In summary, the available evidence is currently insufficient to determine the role of this variant in disease. Therefore, it has been classified as a Variant of Uncertain Significance.

PreventionGenetics, part of Exact Sciences
Classification: Uncertain significance for LZTS1-related condition. Last evaluated: 2025-04-18. Review status: criteria provided, single submitter. Criteria: ACMG Guidelines, 2015. Collection method: clinical testing. Allele origin: germline.
Comment: The LZTS1 c.149C>T variant is predicted to result in the amino acid substitution p.Ser50Phe. To our knowledge, this variant has not been reported in the literature. This variant is reported in 0.0085% of alleles in individuals of European (Non-Finnish) descent in gnomAD. At this time, the clinical significance of this variant is uncertain due to the absence of conclusive functional and genetic evidence.

NM_021020.5(LZTS1):c.149C>T (p.Ser50Phe)

Gene: LZTS1 (leucine zipper tumor suppressor 1; minus strand). Cytogenetic location: 8p21.3.
Variant type: single nucleotide variant.
Coding change: c.149C>T on transcript NM_021020.5 (MANE Select); coding-DNA position 149, C replaced by T.
Protein change: p.Ser50Phe; replaces serine 50 with phenylalanine.
Molecular consequence: missense variant.
Genome position (GRCh38, 1-based): chr8:20,255,033, G>A on the plus strand (C>T on the coding strand, the complement: LZTS1 is on the minus strand). VCF-style: chr8-20255033-G-A. GRCh37 (hg19) VCF-style: chr8-20112544-G-A.
Other names: c.149C>T (NM_021020.3); c.149C>T, p.Ser50Phe (NM_001362884.2); short protein forms S50F.
Identifiers: ClinVar variation 2053099 (VCV002053099.5), dbSNP rs34620053, ClinGen allele CA4657594.